The following is an entry in ClinVar:

ClinVar aggregate classification (germline): Likely benign. Review status: criteria provided, multiple submitters, no conflicts (2 of 4 stars). 3 submissions from 3 submitters: Likely benign (3). Last evaluated 2026-09-01.

Conditions:
Inborn genetic diseases. Identifiers: MedGen C0950123, MeSH D030342.

gnomAD v4.1: 49 of 1,611,618 alleles (0.003%); highest among the groups gnomAD compares: South Asian, 0.041%; no homozygotes.

Submissions (3):

CeGaT Center for Human Genetics Tuebingen
Classification: Likely benign. Last evaluated: 2026-09-01. Review status: criteria provided, single submitter. Criteria: CeGaT Center For Human Genetics Tuebingen Variant Classification Criteria Version 2. Collection method: clinical testing. Allele origin: germline. Affected: yes. Observed: 1 variant allele.
Comment: ZBTB20: BP4, BS2

Labcorp Genetics (formerly Invitae), Labcorp
Classification: Likely benign. Last evaluated: 2026-01-06. Review status: criteria provided, single submitter. Criteria: Invitae Variant Classification Sherloc (09022015). Collection method: clinical testing. Allele origin: germline.

Ambry Genetics
Classification: Likely benign for Inborn genetic diseases. Last evaluated: 2025-01-16. Review status: criteria provided, single submitter. Criteria: Ambry Variant Classification Scheme 2023. Collection method: clinical testing. Allele origin: germline.

NM_001348800.3(ZBTB20):c.1228G>A (p.Glu410Lys)

Gene: ZBTB20 (zinc finger and BTB domain containing 20; minus strand). Cytogenetic location: 3q13.31.
Variant type: single nucleotide variant.
Coding change: c.1228G>A on transcript NM_001348800.3 (MANE Select); coding-DNA position 1228, G replaced by A.
Protein change: p.Glu410Lys; replaces glutamic acid 410 with lysine.
Molecular consequence: missense variant.
Genome position (GRCh38, 1-based): chr3:114,350,850, C>T on the plus strand (G>A on the coding strand, the complement: ZBTB20 is on the minus strand). VCF-style: chr3-114350850-C-T. GRCh37 (hg19) VCF-style: chr3-114069697-C-T.
Other names: c.1228G>A, p.Glu410Lys (NM_001164342.2, NM_001348803.3, NM_001393393.1 and 1 more transcripts); c.1009G>A, p.Glu337Lys (NM_001164343.2, NM_001164344.4, NM_001164345.4 and 9 more transcripts); short protein forms E337K, E410K.
Identifiers: ClinVar variation 3818274 (VCV003818274.3).
Genomic context (GRCh38, chr3:114,350,850, plus strand): 5'-CACCTGTTTCTAGCTGGTTTGTCTGCGGACCACCCTCAGCGGGGGCTTCTGCAGCCTGCT[C>T]GGGTTGGGTGGGTTCAGCCTGGCTGTCCCGCGCCGCCCCAGGCCCAAACTGCTGCTCCAC-3'
Protein context (NP_001335729.1, residues 400-420): RDSQAEPTQP[Glu410Lys]QAAEAPAEGG